The following continues an entry in ClinVar:

NM_000059.4(BRCA2):c.8878C>T (p.Gln2960Ter)

Gene: BRCA2. ClinVar aggregate classification (germline): Pathogenic. Pathogenic (1).

Submissions 13 to 26 of 26:

Quest Diagnostics Nichols Institute San Juan Capistrano
Classification: Pathogenic. Last evaluated: 2020-09-22. Review status: criteria provided, single submitter. Criteria: Quest Diagnostics criteria. Collection method: clinical testing. Allele origin: unknown. Not counted in ClinVar's aggregate classification.
Comment: This nonsense variant causes the premature termination of BRCA2 protein synthesis. It has been reported in hereditary breast and/or ovarian cancer in the published literature (PMIDs: 27425403 (2016), 26852130 (2016), 25863477 (2015), 24312913 (2013), 23165508 (2013), 18821011 (2009), 17224268 (2007), 16982466 (2006), 16764716 (2006), 14531499 (2003), 10449599 (1999), 28091860 (2017), 29161300 (2017), 29339979 (2018), 29446198 (2018), 30606148 (2019), and 30702160 (2019)). This variant has not been reported in large, multi-ethnic general populations. Therefore, the variant is classified as pathogenic.

Department of Molecular Diagnostics, Institute of Oncology Ljubljana
Classification: Pathogenic for Breast-ovarian cancer, familial, susceptibility to, 1. Last evaluated: 2020-04-02. Review status: criteria provided, single submitter. Criteria: ACMG Guidelines, 2015. Collection method: clinical testing. Allele origin: germline. Affected: yes. Not counted in ClinVar's aggregate classification.

Clinical Genetics and Genomics, Karolinska University Hospital
Classification: Pathogenic. Last evaluated: 2019-04-17. Review status: criteria provided, single submitter. Criteria: ACMG Guidelines, 2015. Collection method: clinical testing. Allele origin: germline. Affected: yes. Observed: 1 variant allele. Not counted in ClinVar's aggregate classification.

Mendelics
Classification: Pathogenic for Hereditary breast and ovarian cancer syndrome. Last evaluated: 2018-07-02. Review status: criteria provided, single submitter. Criteria: Mendelics Assertion Criteria 2017. Collection method: clinical testing. Allele origin: unknown. Not counted in ClinVar's aggregate classification.

Women's Health and Genetics/Laboratory Corporation of America, LabCorp
Classification: Pathogenic for Hereditary breast ovarian cancer syndrome. Last evaluated: 2017-05-05. Review status: criteria provided, single submitter. Criteria: LabCorp Variant Classification Summary - May 2015. Collection method: clinical testing. Allele origin: germline. Not counted in ClinVar's aggregate classification.
Comment: Variant summary: The BRCA2 c.8878C>T (p.Gln2960X) variant results in a premature termination codon, predicted to cause a truncated or absent BRCA2 protein due to nonsense mediated decay, which are commonly known mechanisms for disease. Truncations downstream of this position have been classified as pathogenic by our laboratory (e.g. c.8902_8913delinsTCCC, p.Thr2968fsX47; c.8904delC, p.Val2969fsX7; c.8930delA, p.Tyr2977fsX11; c.8961_8964delGAGT, p.Ser2988fsX12). One in silico tool predicts a damaging outcome for this variant. This variant is absent in 120540 control chromosomes. This variant was reported in multiple individuals affected with HBOC with clear segregation with the disease (Aretini, 2003; Santarosa, 1999; Miolo, 2006) The vaiant is suspected to be a founder mutation in Italian population (Miolo, 2006). In addition, multiple clinical diagnostic laboratories/reputable databases classified this variant as pathogenic. Taken together, this variant is classified as pathogenic.

Consortium of Investigators of Modifiers of BRCA1/2 (CIMBA), c/o University of Cambridge
Classification: Pathogenic for Breast-ovarian cancer, familial, susceptibility to, 2. Last evaluated: 2015-10-02. Review status: criteria provided, single submitter. Criteria: CIMBA Mutation Classification guidelines May 2016. Collection method: clinical testing. Allele origin: germline. Not counted in ClinVar's aggregate classification.

Department of Medical Genetics, Oslo University Hospital
Classification: Pathogenic for Breast-ovarian cancer, familial, susceptibility to, 2. Last evaluated: 2015-07-01. Review status: criteria provided, single submitter. Criteria: ACMG Guidelines, 2015. Collection method: clinical testing. Allele origin: germline. Affected: yes. Observed: 1 variant allele. Not counted in ClinVar's aggregate classification.

Molecular Genetics Laboratory, University of Michigan
Classification: Pathogenic for Breast-ovarian cancer, familial, susceptibility to, 2. Last evaluated: 2014-11-03. Review status: criteria provided, single submitter. Criteria: ACMG Guidelines, 2015. Collection method: clinical testing. Allele origin: germline. Affected: yes. Not counted in ClinVar's aggregate classification.

Genesis Genomics
Classification: Pathogenic for Breast-ovarian cancer, familial, susceptibility to, 2. Review status: criteria provided, single submitter. Criteria: ACMG Guidelines, 2015. Collection method: clinical testing. Allele origin: germline. Affected: yes. Observed: 1 variant allele. Not counted in ClinVar's aggregate classification.

BRCAlab, Lund University
Classification: Pathogenic for Breast-ovarian cancer, familial, susceptibility to, 2. Last evaluated: 2022-08-26. Review status: no assertion criteria provided. Collection method: clinical testing. Allele origin: germline. Affected: yes. Not counted in ClinVar's aggregate classification.

Counsyl
Classification: Pathogenic for Breast-ovarian cancer, familial, susceptibility to, 2. Last evaluated: 2016-01-15. Review status: no assertion criteria provided. Collection method: clinical testing. Allele origin: unknown. Not counted in ClinVar's aggregate classification.

Research Molecular Genetics Laboratory, Women's College Hospital, University of Toronto
Classification: Pathogenic for Hereditary breast ovarian cancer syndrome. Last evaluated: 2014-01-31. Review status: no assertion criteria provided. Collection method: research. Allele origin: germline. Affected: yes. Study: The Canadian Open Genetics Repository (COGR). Not counted in ClinVar's aggregate classification.

Sharing Clinical Reports Project (SCRP)
Classification: Pathogenic for Breast-ovarian cancer, familial 2. Last evaluated: 2007-01-08. Review status: no assertion criteria provided. Collection method: clinical testing. Allele origin: germline. Not counted in ClinVar's aggregate classification.

Breast Cancer Information Core (BIC) (BRCA2)
Classification: Pathogenic for Breast-ovarian cancer, familial 2. Last evaluated: 2002-05-29. Review status: no assertion criteria provided. Collection method: clinical testing. Allele origin: germline. Affected: yes. Observed: 10 variant alleles. Not counted in ClinVar's aggregate classification.

Literature cited by the submitters: PubMed 20104584 (cited by Labcorp Genetics (formerly Invitae), Labcorp); PubMed 10449599 (cited by 4 submitters); PubMed 14531499 (cited by 3 submitters); PubMed 16764716 (cited by 5 submitters); PubMed 18821011 (cited by 4 submitters); PubMed 24312913 (cited by 3 submitters); PubMed 25863477 (cited by 3 submitters); PubMed 26852130 (cited by Labcorp Genetics (formerly Invitae), Labcorp and Quest Diagnostics Nichols Institute San Juan Capistrano); PubMed 16982466 (cited by Color Diagnostics, LLC DBA Color Health and Quest Diagnostics Nichols Institute San Juan Capistrano); PubMed 17224268 (cited by 4 submitters); PubMed 23165508 (cited by Color Diagnostics, LLC DBA Color Health and Quest Diagnostics Nichols Institute San Juan Capistrano); PubMed 28091860 (cited by 3 submitters); PubMed 29446198 (cited by Color Diagnostics, LLC DBA Color Health and Quest Diagnostics Nichols Institute San Juan Capistrano); PubMed 30606148 (cited by Color Diagnostics, LLC DBA Color Health and Quest Diagnostics Nichols Institute San Juan Capistrano); PubMed 32438681 (cited by Color Diagnostics, LLC DBA Color Health); PubMed 33471991 (cited by Color Diagnostics, LLC DBA Color Health); PubMed 35281878 (cited by Color Diagnostics, LLC DBA Color Health); PubMed 27425403 (cited by Ambry Genetics and Quest Diagnostics Nichols Institute San Juan Capistrano); PubMed 29161300 (cited by Ambry Genetics and Quest Diagnostics Nichols Institute San Juan Capistrano); PubMed 29339979 (cited by Quest Diagnostics Nichols Institute San Juan Capistrano); PubMed 30702160 (cited by Quest Diagnostics Nichols Institute San Juan Capistrano).